The following is an entry in ClinVar:

NM_004385.5(VCAN):c.405G>A (p.Gly135=)

Gene: VCAN (versican; plus strand). Cytogenetic location: 5q14.2.
Variant type: single nucleotide variant.
Coding change: c.405G>A on transcript NM_004385.5 (MANE Select); coding-DNA position 405, G replaced by A.
Protein change: p.Gly135=; no amino-acid change (glycine 135 retained).
Molecular consequence: synonymous variant.
Genome position (GRCh38, 1-based): chr5:83,490,432, G>A. VCF-style: chr5-83490432-G-A. GRCh37 (hg19) VCF-style: chr5-82786251-G-A.
Other names: c.405G>A, p.Gly135= (NM_001126336.3, NM_001164097.2, NM_001164098.2); c.405G>A (NM_004385.4).
Identifiers: ClinVar variation 1103653 (VCV001103653.13), dbSNP rs371005267, ClinGen allele CA3332449.
Genomic context (GRCh38, chr5:83,490,432, plus strand): 5'-CACTGTGGTCAAGCTGCTGGCAAGTGATGCGGGTCTTTACCGCTGTGACGTCATGTACGG[G>A]ATTGAAGACACACAAGACACGGTGTCACTGACTGTGGATGGTAAGGCTTTTATTATCTGC-3'
Protein context (NP_004376.2, residues 125-145): AGLYRCDVMY[Gly135=]IEDTQDTVSL

ClinVar aggregate classification (germline): Likely benign. Review status: criteria provided, multiple submitters, no conflicts (2 of 4 stars). 4 submissions from 4 submitters: Likely benign (3). 1 of the submissions does not count toward it. Last evaluated 2025-12-30.

Conditions:
VCAN-related disorder. Also called: VCAN-related condition.

Allele frequency attached by ClinVar (database versions not stated): ExAC 0.00002; gnomAD 0.00003 and 0.00004; gnomAD exomes 0.00006; ESP Exome Variant Server 0.00008; TOPMed 0.00008.
gnomAD v4.1: 176 of 1,614,064 alleles (0.011%); highest among the groups gnomAD compares: Non-Finnish European, 0.013%; no homozygotes.

Submissions (4):

Labcorp Genetics (formerly Invitae), Labcorp
Classification: Likely benign. Last evaluated: 2025-12-30. Review status: criteria provided, single submitter. Criteria: Invitae Variant Classification Sherloc (09022015). Collection method: clinical testing. Allele origin: germline.

Blueprint Genetics
Classification: Likely benign. Last evaluated: 2024-03-01. Review status: criteria provided, single submitter. Criteria: ACMG Guidelines, 2015. Collection method: clinical testing. Allele origin: germline.

Breakthrough Genomics
Classification: Likely benign. Review status: criteria provided, single submitter. Criteria: ACMG Guidelines, 2015. Collection method: not provided. Allele origin: germline. Inheritance: Autosomal dominant inheritance. Affected: yes.

PreventionGenetics, part of Exact Sciences
Classification: Likely benign for VCAN-related condition. Last evaluated: 2019-09-19. Review status: no assertion criteria provided. Collection method: clinical testing. Allele origin: germline. Not counted in ClinVar's aggregate classification.
Comment: This variant is classified as likely benign based on ACMG/AMP sequence variant interpretation guidelines (Richards et al. 2015 PMID: 25741868, with internal and published modifications).